The following is an entry in ClinVar:

ClinVar aggregate classification (germline): Likely benign. Review status: criteria provided, multiple submitters, no conflicts (2 of 4 stars). 2 submissions from 2 submitters: Likely benign (2). Last evaluated 2025-01-21.

Conditions:
VCAN-related disorder. Also called: VCAN-related condition.

Allele frequency attached by ClinVar (database versions not stated): gnomAD exomes below 0.00001 and 0.00004; ExAC 0.00002; gnomAD 0.00002; TOPMed 0.00003.

Submissions (2):

PreventionGenetics, part of Exact Sciences
Classification: Likely benign for VCAN-related condition. Last evaluated: 2025-01-21. Review status: criteria provided, single submitter. Criteria: ACMG Guidelines, 2015. Collection method: clinical testing. Allele origin: germline.
Comment: This variant is classified as likely benign based on ACMG/AMP sequence variant interpretation guidelines (Richards et al. 2015 PMID: 25741868, with internal and published modifications).

Labcorp Genetics (formerly Invitae), Labcorp
Classification: Likely benign. Last evaluated: 2023-04-12. Review status: criteria provided, single submitter. Criteria: Invitae Variant Classification Sherloc (09022015). Collection method: clinical testing. Allele origin: germline.

NM_004385.5(VCAN):c.4206G>C (p.Val1402=)

Genes: VCAN (versican; plus strand), VCAN-AS1 (VCAN antisense RNA 1; minus strand). Cytogenetic location: 5q14.3.
Variant type: single nucleotide variant.
Coding change: c.4206G>C on transcript NM_004385.5 (MANE Select); coding-DNA position 4206, G replaced by C.
Protein change: p.Val1402=; no amino-acid change (valine 1402 retained).
Molecular consequence: synonymous variant. On other transcripts: intron variant (2).
Genome position (GRCh38, 1-based): chr5:83,537,209, G>C. VCF-style: chr5-83537209-G-C. GRCh37 (hg19) VCF-style: chr5-82833028-G-C.
Other names: c.4206G>C (NM_004385.4); c.1245G>C, p.Val415= (NM_001164097.2); c.4004-8328G>C (NM_001164098.2); c.1043-8328G>C (NM_001126336.3).
Identifiers: ClinVar variation 1644365 (VCV001644365.9), dbSNP rs759858276, ClinGen allele CA3333135.